The following is an entry in ClinVar:

NM_001042492.3(NF1):c.6830G>A (p.Ser2277Asn)

Gene: NF1 (neurofibromin 1; plus strand). Cytogenetic location: 17q11.2.
Variant type: single nucleotide variant.
Coding change: c.6830G>A on transcript NM_001042492.3 (MANE Select); coding-DNA position 6830, G replaced by A.
Protein change: p.Ser2277Asn; replaces serine 2277 with asparagine.
Molecular consequence: missense variant.
Genome position (GRCh38, 1-based): chr17:31,338,714, G>A. VCF-style: chr17-31338714-G-A. GRCh37 (hg19) VCF-style: chr17-29665732-G-A.
Other names: c.6767G>A, p.Ser2256Asn (NM_000267.4); short protein forms S2256N, S2277N.
Identifiers: ClinVar variation 655846 (VCV000655846.6), dbSNP rs1597845918, ClinGen allele CA399014260.

ClinVar aggregate classification (germline): Uncertain significance. Review status: criteria provided, multiple submitters, no conflicts (2 of 4 stars). 2 submissions from 2 submitters: Uncertain significance (2). Last evaluated 2025-05-01.

Conditions:
Neurofibromatosis, type 1 (NF1). Also called: VON RECKLINGHAUSEN DISEASE; NEUROFIBROMATOSIS, TYPE I, SOMATIC; Peripheral type neurofibromatosis; Neurofibromatosis, type I. Identifiers: Orphanet 636, MedGen C0027831, MONDO:0018975, OMIM 162200. Disease mechanism: loss of function.
Cardiovascular phenotype. Identifiers: MedGen CN230736.
Hereditary cancer-predisposing syndrome. Also called: Neoplastic Syndromes, Hereditary; Hereditary neoplastic syndrome; Hereditary Cancer Syndrome; Tumor predisposition. Identifiers: Orphanet 140162, MedGen C0027672, MeSH D009386, MONDO:0015356.

Submissions (2):

Labcorp Genetics (formerly Invitae), Labcorp
Classification: Uncertain significance for Neurofibromatosis, type 1. Last evaluated: 2025-05-01. Review status: criteria provided, single submitter. Criteria: Invitae Variant Classification Sherloc (09022015). Collection method: clinical testing. Allele origin: germline.
Comment: This sequence change replaces serine, which is neutral and polar, with asparagine, which is neutral and polar, at codon 2256 of the NF1 protein (p.Ser2256Asn). This variant is not present in population databases (gnomAD no frequency). This variant has not been reported in the literature in individuals affected with NF1-related conditions. ClinVar contains an entry for this variant (Variation ID: 655846). Invitae Evidence Modeling of protein sequence and biophysical properties (such as structural, functional, and spatial information, amino acid conservation, physicochemical variation, residue mobility, and thermodynamic stability) has been performed for this missense variant. However, the output from this modeling did not meet the statistical confidence thresholds required to predict the impact of this variant on NF1 protein function. In summary, the available evidence is currently insufficient to determine the role of this variant in disease. Therefore, it has been classified as a Variant of Uncertain Significance.

Ambry Genetics
Classification: Uncertain significance for Cardiovascular phenotype; Hereditary cancer-predisposing syndrome. Last evaluated: 2024-11-09. Review status: criteria provided, single submitter. Criteria: Ambry Variant Classification Scheme 2023. Collection method: clinical testing. Allele origin: germline.
Comment: The p.S2256N variant (also known as c.6767G>A), located in coding exon 45 of the NF1 gene, results from a G to A substitution at nucleotide position 6767. The serine at codon 2256 is replaced by asparagine, an amino acid with highly similar properties. This amino acid position is conserved. In addition, this alteration is predicted to be tolerated by in silico analysis. Based on the available evidence, the clinical significance of this variant remains unclear.